The following is an entry in ClinVar:

NM_014314.4(RIGI):c.1669C>T (p.His557Tyr)

Gene: RIGI (RNA sensor RIG-I; minus strand). Cytogenetic location: 9p21.1.
Variant type: single nucleotide variant.
Coding change: c.1669C>T on transcript NM_014314.4 (MANE Select); coding-DNA position 1669, C replaced by T.
Protein change: p.His557Tyr; replaces histidine 557 with tyrosine.
Molecular consequence: missense variant.
Genome position (GRCh38, 1-based): chr9:32,480,324, G>A on the plus strand (C>T on the coding strand, the complement: RIGI is on the minus strand). VCF-style: chr9-32480324-G-A. GRCh37 (hg19) VCF-style: chr9-32480322-G-A.
Other names: c.1663C>T, p.His555Tyr (NM_001385907.1); c.1669C>T, p.His557Tyr (NM_001385909.1); c.1228C>T, p.His410Tyr (NM_001385910.1); c.1060C>T, p.His354Tyr (NM_001385912.1); c.1654C>T, p.His552Tyr (NM_001385913.1); c.1225C>T, p.His409Tyr (NM_001385914.1); short protein forms H354Y, H409Y, H410Y, H552Y, H555Y, H557Y.
Identifiers: ClinVar variation 3609987 (VCV003609987.2).

ClinVar aggregate classification (germline): Uncertain significance (1 of 4 stars; one submission).

Submission:

Labcorp Genetics (formerly Invitae), Labcorp
Classification: Uncertain significance. Last evaluated: 2025-02-02. Review status: criteria provided, single submitter. Criteria: Invitae Variant Classification Sherloc (09022015). Collection method: clinical testing. Allele origin: germline.
Comment: This sequence change replaces histidine, which is basic and polar, with tyrosine, which is neutral and polar, at codon 557 of the DDX58 protein (p.His557Tyr). This variant is not present in population databases (gnomAD no frequency). This variant has not been reported in the literature in individuals affected with DDX58-related conditions. Invitae Evidence Modeling of protein sequence and biophysical properties (such as structural, functional, and spatial information, amino acid conservation, physicochemical variation, residue mobility, and thermodynamic stability) indicates that this missense variant is not expected to disrupt DDX58 protein function with a negative predictive value of 80%. In summary, the available evidence is currently insufficient to determine the role of this variant in disease. Therefore, it has been classified as a Variant of Uncertain Significance.